The following is an entry in ClinVar:

NM_000044.6(AR):c.2570_2572del (p.Phe857del)

Gene: AR (androgen receptor; plus strand). Cytogenetic location: Xq12.
Variant type: Deletion.
Coding change: c.2570_2572del on transcript NM_000044.6 (MANE Select); coding-DNA positions 2570 to 2572, 3 bases deleted (TCT; older notation c.2570_2572delTCT).
Protein change: p.Phe857del; deletes phenylalanine 857.
Molecular consequence: inframe deletion.
Genome position (GRCh38, 1-based): chrX:67,722,947-67,722,949, TCT deleted; deleting any 3 consecutive bases within chrX:67,722,945-67,722,949 gives the same sequence; the c. name uses the placement nearest the transcript's 3' end. VCF-style (leftmost placement, unchanged base first): chrX-67722944-GCTT-G. GRCh37 (hg19) VCF-style: chrX-66942786-GCTT-G.
Other names: c.974_976del, p.Phe325del (NM_001011645.3); short protein forms F325del, F857del.
Identifiers: ClinVar variation 982927 (VCV000982927.2), dbSNP rs2076142436, ClinGen allele CA1139667620.
Genomic context (GRCh38, chrX:67,722,944, plus strand): 5'-TCAAGGAACTCGATCGTATCATTGCATGCAAAAGAAAAAATCCCACATCCTGCTCAAGAC[GCTT>G]CTACCAGCTCACCAAGCTCCTGGACTCCGTGCAGCCTGTAAGCAAACGATGGAGGGTGCT-3'

ClinVar aggregate classification (germline): Likely pathogenic (1 of 4 stars; one submission).

Conditions:
Androgen resistance syndrome (AIS). Also called: ANDROGEN RECEPTOR DEFICIENCY; Androgen insensitivity syndrome; Androgen insensitivity, complete; Androgen insensitivity; DIHYDROTESTOSTERONE RECEPTOR DEFICIENCY; TESTICULAR FEMINIZATION SYNDROME. Identifiers: Orphanet 754, Orphanet 99429, MedGen C0039585, MONDO:0019154, OMIM 300068. Disease mechanism: loss of function.

Submission:

Institute of Human Genetics, University of Leipzig Medical Center
Classification: Likely pathogenic for Androgen resistance syndrome. Last evaluated: 2020-11-12. Review status: criteria provided, single submitter. Criteria: ACMG Guidelines, 2015. Collection method: clinical testing. Allele origin: de novo. Affected: yes.
Comment: This variant was identified as de novo (maternity and paternity confirmed).